The following is an entry in ClinVar:

ClinVar aggregate classification (germline): Pathogenic. Review status: criteria provided, multiple submitters, no conflicts (2 of 4 stars). 2 submissions from 2 submitters: Pathogenic (2). Last evaluated 2025-04-08.

Conditions:
KDM6B-related disorder. Also called: KDM6B-related condition.

Submissions (2):

GeneDx
Classification: Pathogenic. Last evaluated: 2025-04-08. Review status: criteria provided, single submitter. Criteria: GeneDx Variant Classification Process June 2021. Collection method: clinical testing. Allele origin: germline.
Comment: Reported as a de novo variant in an individual with autism from a large cohort study, but detailed clinical information was not provided (PMID: 35982159); Nonsense variant predicted to result in protein truncation or nonsense mediated decay in a gene for which loss of function is a known mechanism of disease; Not observed at significant frequency in large population cohorts (gnomAD); This variant is associated with the following publications: (PMID: 35982159)

Blueprint Genetics
Classification: Pathogenic for KDM6B-related disorders. Last evaluated: 2023-04-26. Review status: criteria provided, single submitter. Criteria: ACMG Guidelines, 2015. Collection method: clinical testing. Allele origin: de novo. Affected: yes. Observed: 1 variant allele.

NM_001348716.2(KDM6B):c.2851C>T (p.Arg951Ter)

Gene: KDM6B (lysine demethylase 6B; plus strand). Cytogenetic location: 17p13.1.
Variant type: single nucleotide variant.
Coding change: c.2851C>T on transcript NM_001348716.2 (MANE Select); coding-DNA position 2851, C replaced by T.
Protein change: p.Arg951Ter; replaces arginine 951 with a stop codon.
Molecular consequence: nonsense.
Genome position (GRCh38, 1-based): chr17:7,849,139, C>T. VCF-style: chr17-7849139-C-T. GRCh37 (hg19) VCF-style: chr17-7752457-C-T.
Other names: c.2851C>T, p.Arg951Ter (NM_001080424.2); short protein forms R951*.
Identifiers: ClinVar variation 3572485 (VCV003572485.3).